The following is an entry in ClinVar:

NM_000384.3(APOB):c.11696G>T (p.Ser3899Ile)

Gene: APOB (apolipoprotein B; minus strand). Cytogenetic location: 2p24.1.
Variant type: single nucleotide variant.
Coding change: c.11696G>T on transcript NM_000384.3 (MANE Select); coding-DNA position 11696, G replaced by T.
Protein change: p.Ser3899Ile; replaces serine 3899 with isoleucine.
Molecular consequence: missense variant.
Genome position (GRCh38, 1-based): chr2:21,005,172, C>A on the plus strand (G>T on the coding strand, the complement: APOB is on the minus strand). VCF-style: chr2-21005172-C-A. GRCh37 (hg19) VCF-style: chr2-21228044-C-A.
Other names: short protein forms S3899I.
Identifiers: ClinVar variation 1738897 (VCV001738897.2), dbSNP rs774429979, ClinGen allele CA345977678.

ClinVar aggregate classification (germline): Uncertain significance (1 of 4 stars; one submission).

Conditions:
Cardiovascular phenotype. Identifiers: MedGen CN230736.

Submission:

Ambry Genetics
Classification: Uncertain significance for Cardiovascular phenotype. Last evaluated: 2019-09-14. Review status: criteria provided, single submitter. Criteria: Ambry Variant Classification Scheme 2023. Collection method: clinical testing. Allele origin: germline.
Comment: The p.S3899I variant (also known as c.11696G>T), located in coding exon 26 of the APOB gene, results from a G to T substitution at nucleotide position 11696. The serine at codon 3899 is replaced by isoleucine, an amino acid with dissimilar properties. This amino acid position is not well conserved in available vertebrate species. In addition, this alteration is predicted to be tolerated by in silico analysis. Since supporting evidence is limited at this time, the clinical significance of this alteration remains unclear.